The following is an entry in ClinVar:

NM_001348768.2(HECW2):c.1220C>A (p.Ser407Ter)

Gene: HECW2 (HECT, C2 and WW domain containing E3 ubiquitin protein ligase 2; minus strand). Cytogenetic location: 2q32.3.
Variant type: single nucleotide variant.
Coding change: c.1220C>A on transcript NM_001348768.2 (MANE Select); coding-DNA position 1220, C replaced by A.
Protein change: p.Ser407Ter; replaces serine 407 with a stop codon.
Molecular consequence: nonsense.
Genome position (GRCh38, 1-based): chr2:196,319,670, G>T on the plus strand (C>A on the coding strand, the complement: HECW2 is on the minus strand). VCF-style: chr2-196319670-G-T. GRCh37 (hg19) VCF-style: chr2-197184394-G-T.
Other names: c.152C>A, p.Ser51Ter (NM_001304840.3); c.1220C>A, p.Ser407Ter (NM_020760.4); short protein forms S407*, S51*.
Identifiers: ClinVar variation 4975887 (VCV004975887.1).
Genomic context (GRCh38, chr2:196,319,670, plus strand): 5'-CCATTGTGTTCGATAGCATCTAAGTAATCATTGAGTGAATCCTGACGTCCTCTGGGAGGT[G>T]AGGTCCTTGAAGACGTAGAGGTTAATTCCTCTGTGTCTATTTCCAGAGTGGAGCTAGTCC-3'

ClinVar aggregate classification (germline): Uncertain significance (1 of 4 stars; one submission).

Submission:

GeneDx
Classification: Uncertain significance. Last evaluated: 2026-01-29. Review status: criteria provided, single submitter. Criteria: GeneDx Variant Classification Process June 2021. Collection method: clinical testing. Allele origin: germline.
Comment: Not observed at significant frequency in large population cohorts (gnomAD); Nonsense variant predicted to result in protein truncation or nonsense mediated decay in a gene or region of a gene for which loss of function is not a well-established mechanism of disease; Has not been previously published as pathogenic or benign to our knowledge